The following is an entry in ClinVar:

NM_001244008.2(KIF1A):c.1208-32G>A

Gene: KIF1A (kinesin family member 1A; minus strand). Cytogenetic location: 2q37.3.
Variant type: single nucleotide variant.
Coding change: c.1208-32G>A on transcript NM_001244008.2 (MANE Select); 32 bases into the intron before coding-DNA position 1208, G replaced by A.
Molecular consequence: intron variant. On other transcripts: synonymous variant (7).
Genome position (GRCh38, 1-based): chr2:240,771,136, C>T on the plus strand (G>A on the coding strand, the complement: KIF1A is on the minus strand). VCF-style: chr2-240771136-C-T. GRCh37 (hg19) VCF-style: chr2-241710553-C-T.
Other names: c.1251G>A (NM_001330290.1); c.1251G>A, p.Thr417= (NM_001330290.2, NM_001379631.1, NM_001379634.1 and 2 more transcripts); c.1224G>A, p.Thr408= (NM_001379637.1, NM_001379648.1); c.1181-32G>A (NM_001379653.1, NM_001379650.1, NM_001379645.1 and 10 more transcripts); c.1208-32G>A (NM_001320705.2, NM_001379638.1, NM_001330289.2).
Identifiers: ClinVar variation 2652098 (VCV002652098.26), dbSNP rs754867415, ClinGen allele CA2208480.
Genomic context (GRCh38, chr2:240,771,136, plus strand): 5'-GGGGCTCATACCCACCAGGGCATTGGTCACTGTGGAGAGAGGGTCAGGGGCTTCATTCAC[C>T]GTCCCGCCACGGTTAAGGTTATTGTTCTCAAGGTCGGACACGTCTATGGGGAGGAGGGGT-3'

ClinVar aggregate classification (germline): Likely benign. Review status: criteria provided, multiple submitters, no conflicts (2 of 4 stars). 3 submissions from 3 submitters: Likely benign (3). Last evaluated 2026-09-25.

Conditions:
KIF1A-related disorder. Also called: KIF1A-related disorders; KIF1A-related condition.

Allele frequency attached by ClinVar (database versions not stated): gnomAD 0.00005; gnomAD exomes 0.00006; TOPMed 0.00006; ExAC 0.00010.
gnomAD v4.1: 91 of 1,612,836 alleles (0.0056%); highest among the groups gnomAD compares: East Asian, 0.018%; no homozygotes.

Submissions (3):

PreventionGenetics, part of Exact Sciences
Classification: Likely benign for KIF1A-related condition. Last evaluated: 2026-09-25. Review status: criteria provided, single submitter. Criteria: ACMG Guidelines, 2015. Collection method: clinical testing. Allele origin: germline.
Comment: This variant is classified as likely benign based on ACMG/AMP sequence variant interpretation guidelines (Richards et al. 2015 PMID: 25741868, with internal and published modifications).

Blueprint Genetics
Classification: Likely benign. Last evaluated: 2023-11-21. Review status: criteria provided, single submitter. Criteria: ACMG Guidelines, 2015. Collection method: clinical testing. Allele origin: germline.

CeGaT Center for Human Genetics Tuebingen
Classification: Likely benign. Last evaluated: 2022-10-01. Review status: criteria provided, single submitter. Criteria: CeGaT Center For Human Genetics Tuebingen Variant Classification Criteria Version 2. Collection method: clinical testing. Allele origin: germline. Affected: yes. Observed: 1 variant allele.
Comment: KIF1A: BP4, BP7